The following is an entry in ClinVar:

NM_007325.5(GRIA3):c.222C>T (p.His74=)

Gene: GRIA3 (glutamate ionotropic receptor AMPA type subunit 3; plus strand). Cytogenetic location: Xq25.
Variant type: single nucleotide variant.
Coding change: c.222C>T on transcript NM_007325.5 (MANE Select); coding-DNA position 222, C replaced by T.
Protein change: p.His74=; no amino-acid change (histidine 74 retained).
Molecular consequence: synonymous variant.
Genome position (GRCh38, 1-based): chrX:123,185,944, C>T. VCF-style: chrX-123185944-C-T. GRCh37 (hg19) VCF-style: chrX-122319796-C-T.
Other names: c.222C>T, p.His74= (NM_000828.5, NM_001256743.2).
Identifiers: ClinVar variation 1642077 (VCV001642077.32), dbSNP rs770034691, ClinGen allele CA10506850.

ClinVar aggregate classification (germline): Likely benign. Review status: criteria provided, multiple submitters, no conflicts (2 of 4 stars). 2 submissions from 2 submitters: Likely benign (2). Last evaluated 2025-03-10.

Allele frequency attached by ClinVar (database versions not stated): gnomAD exomes 0.00001 and 0.00002; ExAC 0.00002; gnomAD 0.00002.
gnomAD v4.1: 17 of 1,203,586 alleles (0.0014%); highest among the groups gnomAD compares: Admixed American, 0.0022%; no homozygotes.

Submissions (2):

Labcorp Genetics (formerly Invitae), Labcorp
Classification: Likely benign. Last evaluated: 2025-03-10. Review status: criteria provided, single submitter. Criteria: Invitae Variant Classification Sherloc (09022015). Collection method: clinical testing. Allele origin: germline.

CeGaT Center for Human Genetics Tuebingen
Classification: Likely benign. Last evaluated: 2023-10-01. Review status: criteria provided, single submitter. Criteria: CeGaT Center For Human Genetics Tuebingen Variant Classification Criteria Version 2. Collection method: clinical testing. Allele origin: germline. Affected: yes. Observed: 1 variant allele.
Comment: GRIA3: BP4, BP7